The following is an entry in ClinVar:

NM_153704.6(TMEM67):c.2531A>G (p.Asp844Gly)

Gene: TMEM67 (transmembrane protein 67; plus strand). Cytogenetic location: 8q22.1.
Variant type: single nucleotide variant.
Coding change: c.2531A>G on transcript NM_153704.6 (MANE Select); coding-DNA position 2531, A replaced by G.
Protein change: p.Asp844Gly; replaces aspartic acid 844 with glycine.
Molecular consequence: missense variant. On other transcripts: non-coding transcript variant (1).
Genome position (GRCh38, 1-based): chr8:93,808,931, A>G. VCF-style: chr8-93808931-A-G. GRCh37 (hg19) VCF-style: chr8-94821159-A-G.
Other names: c.2288A>G, p.Asp763Gly (NM_001142301.1); short protein forms D763G, D844G.
Identifiers: ClinVar variation 4988004 (VCV004988004.1).
Genomic context (GRCh38, chr8:93,808,931, plus strand): 5'-CCAACACAGATGGTCAGACTTTTGAGATTGCAATTTCTAACCAGATGAGACAACATTATG[A>G]CAGAATTCATGAGACACTAATAAGGGTTTGTATAAAGTACAGTTCAGATATATTCTGTCA-3'
Protein context (NP_714915.3, residues 834-854): AISNQMRQHY[Asp844Gly]RIHETLIRKN

ClinVar aggregate classification (germline): Uncertain significance (1 of 4 stars; one submission).

Conditions:
TMEM67-related disorder. Also called: TMEM67-related condition; TMEM67-related disorders. Identifiers: MedGen CN239423.

gnomAD v4.1: 9 of 1,609,954 alleles (0.00056%); highest among the groups gnomAD compares: Non-Finnish European, 0.00077%; no homozygotes.

Submission:

PreventionGenetics, part of Exact Sciences
Classification: Uncertain significance for TMEM67-related condition. Last evaluated: 2026-06-30. Review status: criteria provided, single submitter. Criteria: ACMG Guidelines, 2015. Collection method: clinical testing. Allele origin: germline.
Comment: The TMEM67 c.2531A>G variant is predicted to result in the amino acid substitution p.Asp844Gly. To our knowledge, this variant has not been reported in the literature or in a large population database (gnomAD), indicating this variant is rare. At this time, the clinical significance of this variant is uncertain due to the absence of conclusive functional and genetic evidence.